The following is an entry in ClinVar:

NM_000204.5(CFI):c.1470A>T (p.Lys490Asn)

Gene: CFI (complement factor I; minus strand). Cytogenetic location: 4q25.
Variant type: single nucleotide variant.
Coding change: c.1470A>T on transcript NM_000204.5 (MANE Select); coding-DNA position 1470, A replaced by T.
Protein change: p.Lys490Asn; replaces lysine 490 with asparagine.
Molecular consequence: missense variant. On other transcripts: non-coding transcript variant (3).
Genome position (GRCh38, 1-based): chr4:109,742,555, T>A on the plus strand (A>T on the coding strand, the complement: CFI is on the minus strand). VCF-style: chr4-109742555-T-A. GRCh37 (hg19) VCF-style: chr4-110663711-T-A.
Other names: c.1494A>T, p.Lys498Asn (NM_001318057.2, NM_001375278.1); c.1449A>T, p.Lys483Asn (NM_001331035.2, NM_001375280.1, NM_001375282.1); c.1470A>T, p.Lys490Asn (NM_001375279.1, NM_001375281.1); c.1413A>T, p.Lys471Asn (NM_001375283.1); c.861A>T, p.Lys287Asn (NM_001375284.1); short protein forms K483N, K490N, K287N, K471N, K498N.
Identifiers: ClinVar variation 1387643 (VCV001387643.7), dbSNP rs1458122971, ClinGen allele CA357855194.

ClinVar aggregate classification (germline): Uncertain significance. Review status: criteria provided, multiple submitters, no conflicts (2 of 4 stars). 2 submissions from 2 submitters: Uncertain significance (2). Last evaluated 2025-07-28.

Conditions:
Factor I deficiency (CFID). Also called: Complement factor I deficiency. Identifiers: Orphanet 200418, MedGen C3463916, MONDO:0012594, OMIM 610984.
Atypical hemolytic-uremic syndrome with I factor anomaly. Also called: HEMOLYTIC UREMIC SYNDROME, ATYPICAL, SUSCEPTIBILITY TO, 3; AHUS, SUSCEPTIBILITY TO, 3. Identifiers: Orphanet 2134, MedGen C2752039, MONDO:0013041, OMIM 612923.
Age related macular degeneration 13. Identifiers: MedGen C3809523, MONDO:0014189, OMIM 615439.

Allele frequency attached by ClinVar (database versions not stated): gnomAD exomes below 0.00001 and 0.00001; TOPMed 0.00004; gnomAD 0.00005.
gnomAD v4.1: 9 of 1,613,542 alleles (0.00056%); highest among the groups gnomAD compares: Admixed American, 0.015%; no homozygotes.

Submissions (2):

Labcorp Genetics (formerly Invitae), Labcorp
Classification: Uncertain significance. Last evaluated: 2025-07-28. Review status: criteria provided, single submitter. Criteria: Invitae Variant Classification Sherloc (09022015). Collection method: clinical testing. Allele origin: germline.
Comment: This sequence change replaces lysine, which is basic and polar, with asparagine, which is neutral and polar, at codon 490 of the CFI protein (p.Lys490Asn). This variant is present in population databases (no rsID available, gnomAD 0.009%). This variant has not been reported in the literature in individuals affected with CFI-related conditions. ClinVar contains an entry for this variant (Variation ID: 1387643). Invitae Evidence Modeling of protein sequence and biophysical properties (such as structural, functional, and spatial information, amino acid conservation, physicochemical variation, residue mobility, and thermodynamic stability) indicates that this missense variant is not expected to disrupt CFI protein function with a negative predictive value of 80%. In summary, the available evidence is currently insufficient to determine the role of this variant in disease. Therefore, it has been classified as a Variant of Uncertain Significance.

Fulgent Genetics
Classification: Uncertain significance for Factor I deficiency; Atypical hemolytic-uremic syndrome with I factor anomaly; Age related macular degeneration 13. Last evaluated: 2024-05-27. Review status: criteria provided, single submitter. Criteria: ACMG Guidelines, 2015. Collection method: clinical testing. Allele origin: germline.